The following is an entry in ClinVar:

NM_001080.3(ALDH5A1):c.800T>G (p.Val267Gly)

Gene: ALDH5A1 (aldehyde dehydrogenase 5 family member A1; plus strand). Cytogenetic location: 6p22.3.
Variant type: single nucleotide variant.
Coding change: c.800T>G on transcript NM_001080.3 (MANE Select); coding-DNA position 800, T replaced by G.
Protein change: p.Val267Gly; replaces valine 267 with glycine.
Molecular consequence: missense variant. On other transcripts: intron variant (1).
Genome position (GRCh38, 1-based): chr6:24,515,240, T>G. VCF-style: chr6-24515240-T-G. GRCh37 (hg19) VCF-style: chr6-24515468-T-G.
Other names: c.839T>G, p.Val280Gly (NM_170740.1); c.727-5161T>G (NM_001368954.1); short protein forms V267G, V280G.
Identifiers: ClinVar variation 1878469 (VCV001878469.3), dbSNP rs2532855130, ClinGen allele CA362971832.

ClinVar aggregate classification (germline): Likely pathogenic (1 of 4 stars; one submission).

Conditions:
Succinate-semialdehyde dehydrogenase deficiency (SSADHD). Also called: Succinic Semialdehyde Dehydrogenase Deficiency; SSADH DEFICIENCY; 4-HYDROXYBUTYRIC ACIDURIA; GABA METABOLIC DEFECT. Identifiers: Orphanet 22, MedGen C0268631, MONDO:0010083, OMIM 271980.

Allele frequency attached by ClinVar (database versions not stated): gnomAD exomes below 0.00001.
gnomAD v4.1: 1 of 1,613,778 alleles (0.000062%); highest among the groups gnomAD compares: East Asian, 0.0022%; no homozygotes.

Submission:

Elsea Laboratory, Baylor College of Medicine
Classification: Likely pathogenic for Succinate-semialdehyde dehydrogenase deficiency. Last evaluated: 2021-03-08. Review status: criteria provided, single submitter. Criteria: Martin et al. (J Child Neurol. 2021). Collection method: curation. Allele origin: germline. Affected: yes.
Comment: NAD binding domain

Literature cited by the submitters: PubMed 33203024.